The following is an entry in ClinVar:

ClinVar aggregate classification (germline): Uncertain significance (1 of 4 stars; one submission).

Submission:

GeneDx
Classification: Uncertain significance. Last evaluated: 2019-09-10. Review status: criteria provided, single submitter. Criteria: GeneDx Variant Classification Process June 2021. Collection method: clinical testing. Allele origin: germline. Affected: yes.
Comment: Not observed in large population cohorts (Lek et al., 2016); In silico analysis, which includes protein predictors and evolutionary conservation, supports that this variant does not alter protein structure/function; In-silico analysis, which includes splice predictors and evolutionary conservation, is inconclusive as to whether the variant alters gene splicing. In the absence of RNA/functional studies, the actual effect of this sequence change is unknown.; Has not been previously published as pathogenic or benign to our knowledge

NM_005051.3(QARS1):c.1756A>C (p.Lys586Gln)

Gene: QARS1 (glutaminyl-tRNA synthetase 1; minus strand). Cytogenetic location: 3p21.31.
Variant type: single nucleotide variant.
Coding change: c.1756A>C on transcript NM_005051.3 (MANE Select); coding-DNA position 1756, A replaced by C.
Protein change: p.Lys586Gln; replaces lysine 586 with glutamine.
Molecular consequence: missense variant. On other transcripts: non-coding transcript variant (1).
Genome position (GRCh38, 1-based): chr3:49,099,112, T>G on the plus strand (A>C on the coding strand, the complement: QARS1 is on the minus strand). VCF-style: chr3-49099112-T-G. GRCh37 (hg19) VCF-style: chr3-49136545-T-G.
Other names: c.1723A>C, p.Lys575Gln (NM_001272073.2); short protein forms K575Q, K586Q.
Identifiers: ClinVar variation 1312123 (VCV001312123.2), dbSNP rs2107098757, ClinGen allele CA352701817.